The following is an entry in ClinVar:

ClinVar aggregate classification (germline): Uncertain significance. Review status: criteria provided, multiple submitters, no conflicts (2 of 4 stars). 2 submissions from 2 submitters: Uncertain significance (2). Last evaluated 2026-04-09.

Allele frequency attached by ClinVar (database versions not stated): gnomAD exomes below 0.00001; TOPMed below 0.00001.
gnomAD v4.1: 1 of 1,605,364 alleles (0.000062%); highest among the groups gnomAD compares: African/African-American, 0.0013%; no homozygotes.

Submissions (2):

GeneDx
Classification: Uncertain significance. Last evaluated: 2026-04-09. Review status: criteria provided, single submitter. Criteria: GeneDx Variant Classification Process June 2021. Collection method: clinical testing. Allele origin: germline.
Comment: Has not been previously published as pathogenic or benign to our knowledge; Not observed at significant frequency in large population cohorts (gnomAD); In silico analysis supports that this missense variant has a deleterious effect on protein structure/function

Labcorp Genetics (formerly Invitae), Labcorp
Classification: Uncertain significance. Last evaluated: 2024-04-15. Review status: criteria provided, single submitter. Criteria: Invitae Variant Classification Sherloc (09022015). Collection method: clinical testing. Allele origin: germline.
Comment: This sequence change replaces leucine, which is neutral and non-polar, with phenylalanine, which is neutral and non-polar, at codon 432 of the GRIN2D protein (p.Leu432Phe). This variant is not present in population databases (gnomAD no frequency). This variant has not been reported in the literature in individuals affected with GRIN2D-related conditions. ClinVar contains an entry for this variant (Variation ID: 2580792). Advanced modeling of protein sequence and biophysical properties (such as structural, functional, and spatial information, amino acid conservation, physicochemical variation, residue mobility, and thermodynamic stability) performed at Invitae indicates that this missense variant is not expected to disrupt GRIN2D protein function with a negative predictive value of 80%. In summary, the available evidence is currently insufficient to determine the role of this variant in disease. Therefore, it has been classified as a Variant of Uncertain Significance.

NM_000836.4(GRIN2D):c.1294C>T (p.Leu432Phe)

Gene: GRIN2D (glutamate ionotropic receptor NMDA type subunit 2D; plus strand). Cytogenetic location: 19q13.33.
Variant type: single nucleotide variant.
Coding change: c.1294C>T on transcript NM_000836.4 (MANE Select); coding-DNA position 1294, C replaced by T.
Protein change: p.Leu432Phe; replaces leucine 432 with phenylalanine.
Molecular consequence: missense variant.
Genome position (GRCh38, 1-based): chr19:48,414,466, C>T. VCF-style: chr19-48414466-C-T. GRCh37 (hg19) VCF-style: chr19-48917723-C-T.
Other names: short protein forms L432F.
Identifiers: ClinVar variation 2580792 (VCV002580792.4), dbSNP rs1970917102, ClinGen allele CA406695270.